The following is an entry in ClinVar:

NM_007317.3(KIF22):c.869G>A (p.Arg290Gln)

Gene: KIF22 (kinesin family member 22; plus strand). Cytogenetic location: 16p11.2.
Variant type: single nucleotide variant.
Coding change: c.869G>A on transcript NM_007317.3 (MANE Select); coding-DNA position 869, G replaced by A.
Protein change: p.Arg290Gln; replaces arginine 290 with glutamine.
Molecular consequence: missense variant.
Genome position (GRCh38, 1-based): chr16:29,799,373, G>A. VCF-style: chr16-29799373-G-A. GRCh37 (hg19) VCF-style: chr16-29810694-G-A.
Other names: c.665G>A, p.Arg222Gln (NM_001256269.2, NM_001256270.1); short protein forms R222Q, R290Q.
Identifiers: ClinVar variation 4700853 (VCV004700853.1).

ClinVar aggregate classification (germline): Uncertain significance (1 of 4 stars; one submission).

Submission:

Labcorp Genetics (formerly Invitae), Labcorp
Classification: Uncertain significance. Last evaluated: 2025-03-23. Review status: criteria provided, single submitter. Criteria: Invitae Variant Classification Sherloc (09022015). Collection method: clinical testing. Allele origin: germline.
Comment: This sequence change replaces arginine, which is basic and polar, with glutamine, which is neutral and polar, at codon 290 of the KIF22 protein (p.Arg290Gln). This variant is present in population databases (no rsID available, gnomAD 0.003%). This variant has not been reported in the literature in individuals affected with KIF22-related conditions. Invitae Evidence Modeling of protein sequence and biophysical properties (such as structural, functional, and spatial information, amino acid conservation, physicochemical variation, residue mobility, and thermodynamic stability) indicates that this missense variant is expected to disrupt KIF22 protein function with a positive predictive value of 80%. In summary, the available evidence is currently insufficient to determine the role of this variant in disease. Therefore, it has been classified as a Variant of Uncertain Significance.